The following is an entry in ClinVar:

NM_001844.5(COL2A1):c.2714_2715dup (p.Gly906fs)

Gene: COL2A1 (collagen type II alpha 1 chain; minus strand). Cytogenetic location: 12q13.11.
Variant type: Duplication.
Coding change: c.2714_2715dup on transcript NM_001844.5 (MANE Select); coding-DNA positions 2714 to 2715, 2 bases duplicated (TT; older notation c.2714_2715dupTT).
Protein change: p.Gly906fs; shifts the reading frame from glycine 906.
Molecular consequence: frameshift variant.
Genome position (GRCh38, 1-based): chr12:47,979,529-47,979,530, AA duplicated on the plus strand (TT on the coding strand, the reverse complement: COL2A1 is on the minus strand). VCF-style (leftmost placement, unchanged base first): chr12-47979528-C-CAA. GRCh37 (hg19) VCF-style: chr12-48373311-C-CAA.
Other names: c.2507_2508dup, p.Gly837fs (NM_033150.3); short protein forms G837fs, G906fs.
Identifiers: ClinVar variation 2765648 (VCV002765648.3), dbSNP rs2540116704, ClinGen allele CA2697559181.

ClinVar aggregate classification (germline): Pathogenic (1 of 4 stars; one submission).

Submission:

Labcorp Genetics (formerly Invitae), Labcorp
Classification: Pathogenic. Last evaluated: 2024-08-31. Review status: criteria provided, single submitter. Criteria: Invitae Variant Classification Sherloc (09022015). Collection method: clinical testing. Allele origin: germline.
Comment: This sequence change creates a premature translational stop signal (p.Gly906Leufs*123) in the COL2A1 gene. It is expected to result in an absent or disrupted protein product. Loss-of-function variants in COL2A1 are known to be pathogenic (PMID: 20179744). This variant is not present in population databases (gnomAD no frequency). This premature translational stop signal has been observed in individual(s) with Stickler syndrome (PMID: 20179744). This variant is also known as c.2715dupT. For these reasons, this variant has been classified as Pathogenic.

Literature cited by the submitters: PubMed 20179744.